The following is an entry in ClinVar:

ClinVar aggregate classification (germline): Uncertain significance (1 of 4 stars; one submission).

Conditions:
Hereditary nonpolyposis colorectal neoplasms. Identifiers: MedGen C0009405, MeSH D003123.

Submission:

Labcorp Genetics (formerly Invitae), Labcorp
Classification: Uncertain significance for Hereditary nonpolyposis colorectal neoplasms. Last evaluated: 2025-08-07. Review status: criteria provided, single submitter. Criteria: Invitae Variant Classification Sherloc (09022015). Collection method: clinical testing. Allele origin: germline.
Comment: This sequence change replaces leucine, which is neutral and non-polar, with histidine, which is basic and polar, at codon 637 of the MSH6 protein (p.Leu637His). This variant is not present in population databases (gnomAD no frequency). This variant has not been reported in the literature in individuals affected with MSH6-related conditions. ClinVar contains an entry for this variant (Variation ID: 1720165). Invitae Evidence Modeling of protein sequence and biophysical properties (such as structural, functional, and spatial information, amino acid conservation, physicochemical variation, residue mobility, and thermodynamic stability) has been performed for this missense variant. However, the output from this modeling did not meet the statistical confidence thresholds required to predict the impact of this variant on MSH6 protein function. In summary, the available evidence is currently insufficient to determine the role of this variant in disease. Therefore, it has been classified as a Variant of Uncertain Significance.

NM_000179.3(MSH6):c.1910T>A (p.Leu637His)

Gene: MSH6 (mutS homolog 6; plus strand). Cytogenetic location: 2p16.3.
Variant type: single nucleotide variant.
Coding change: c.1910T>A on transcript NM_000179.3 (MANE Select); coding-DNA position 1910, T replaced by A.
Protein change: p.Leu637His; replaces leucine 637 with histidine.
Molecular consequence: missense variant.
Genome position (GRCh38, 1-based): chr2:47,799,893, T>A. VCF-style: chr2-47799893-T-A. GRCh37 (hg19) VCF-style: chr2-48027032-T-A.
Other names: c.1520T>A, p.Leu507His (NM_001281492.2); c.1004T>A, p.Leu335His (NM_001281493.2, NM_001281494.2, NM_001406811.1 and 6 more transcripts); c.2006T>A, p.Leu669His (NM_001406795.1, NM_001406802.1); c.1910T>A, p.Leu637His (NM_001406796.1, NM_001406798.1, NM_001406800.1 and 3 more transcripts); c.1613T>A, p.Leu538His (NM_001406797.1, NM_001406801.1, NM_001406805.1 and 10 more transcripts); c.1385T>A, p.Leu462His (NM_001406799.1, NM_001406806.1, NM_001406807.1); c.1832T>A, p.Leu611His (NM_001406804.1); c.1742T>A, p.Leu581His (NM_001406826.1); and 1 more; short protein forms L335H, L462H, L507H, L538H, L581H, L611H, L637H, L639H.
Identifiers: ClinVar variation 1720165 (VCV001720165.6), dbSNP rs1553413288, ClinGen allele CA346750182.
Genomic context (GRCh38, chr2:47,799,893, plus strand): 5'-TTCAGGAAGGTCTGATACCCGGCTCCCAGTTTTGGGATGCATCCAAAACTTTGAGAACTC[T>A]CCTTGAGGAAGAATATTTTAGGGAAAAGCTAAGTGATGGCATTGGGGTGATGTTACCCCA-3'
Protein context (NP_000170.1, residues 627-647): FWDASKTLRT[Leu637His]LEEEYFREKL